The following is an entry in ClinVar:

NM_138694.4(PKHD1):c.164G>A (p.Gly55Asp)

Gene: PKHD1 (PKHD1 ciliary IPT domain containing fibrocystin/polyductin; minus strand). Cytogenetic location: 6p12.2.
Variant type: single nucleotide variant.
Coding change: c.164G>A on transcript NM_138694.4 (MANE Select); coding-DNA position 164, G replaced by A.
Protein change: p.Gly55Asp; replaces glycine 55 with aspartic acid.
Molecular consequence: missense variant.
Genome position (GRCh38, 1-based): chr6:52,082,509, C>T on the plus strand (G>A on the coding strand, the complement: PKHD1 is on the minus strand). VCF-style: chr6-52082509-C-T. GRCh37 (hg19) VCF-style: chr6-51947307-C-T.
Other names: c.164G>A, p.Gly55Asp (NM_170724.3); c.164G>A (NM_138694.3); short protein forms G55D.
Identifiers: ClinVar variation 598044 (VCV000598044.6), dbSNP rs148070358, ClinGen allele CA364440641.

ClinVar aggregate classification (germline): Uncertain significance. Review status: criteria provided, multiple submitters, no conflicts (2 of 4 stars). 2 submissions from 2 submitters: Uncertain significance (2). Last evaluated 2025-06-11.

Conditions:
PKHD1-related disorder. Also called: PKHD1-related condition.

Allele frequency attached by ClinVar (database versions not stated): gnomAD exomes below 0.00001.
gnomAD v4.1: 4 of 1,614,046 alleles (0.00025%); highest among the groups gnomAD compares: Non-Finnish European, 0.00034%; no homozygotes.

Submissions (2):

PreventionGenetics, part of Exact Sciences
Classification: Uncertain significance for PKHD1-related condition. Last evaluated: 2025-06-11. Review status: criteria provided, single submitter. Criteria: ACMG Guidelines, 2015. Collection method: clinical testing. Allele origin: germline.
Comment: The PKHD1 c.164G>A variant is predicted to result in the amino acid substitution p.Gly55Asp. To our knowledge, this variant has not been reported in the literature or in a large population database (gnomAD), indicating this variant is rare. At this time, the clinical significance of this variant is uncertain due to the absence of conclusive functional and genetic evidence.

Eurofins Ntd Llc (ga)
Classification: Uncertain significance. Last evaluated: 2018-07-17. Review status: criteria provided, single submitter. Criteria: EGL ClinVar v180209 classification definitions. Collection method: clinical testing. Allele origin: germline. Observed: 1 variant allele, 1 heterozygote.